The following is an entry in ClinVar:

NM_024675.4(PALB2):c.248A>G (p.His83Arg)

Gene: PALB2 (partner and localizer of BRCA2; minus strand). Cytogenetic location: 16p12.2.
Variant type: single nucleotide variant.
Coding change: c.248A>G on transcript NM_024675.4 (MANE Select); coding-DNA position 248, A replaced by G.
Protein change: p.His83Arg; replaces histidine 83 with arginine.
Molecular consequence: missense variant.
Genome position (GRCh38, 1-based): chr16:23,636,298, T>C on the plus strand (A>G on the coding strand, the complement: PALB2 is on the minus strand). VCF-style: chr16-23636298-T-C. GRCh37 (hg19) VCF-style: chr16-23647619-T-C.
Other names: c.248A>G (NM_024675.3); short protein forms H83R.
Identifiers: ClinVar variation 1467119 (VCV001467119.8), dbSNP rs2142447708, ClinGen allele CA395138912.

ClinVar aggregate classification (germline): Uncertain significance. Review status: criteria provided, multiple submitters, no conflicts (2 of 4 stars). 2 submissions from 2 submitters: Uncertain significance (2). Last evaluated 2026-07-06.

Conditions:
Hereditary cancer-predisposing syndrome. Also called: Hereditary Cancer Syndrome; Tumor predisposition; Neoplastic Syndromes, Hereditary; Hereditary neoplastic syndrome. Identifiers: Orphanet 140162, MedGen C0027672, MeSH D009386, MONDO:0015356.
Familial cancer of breast. Also called: Hereditary breast cancer; BREAST CANCER, FAMILIAL; hereditary breast carcinoma. Identifiers: Orphanet 227535, MedGen C0346153, MONDO:0016419, OMIM 114480. Disease mechanism: loss of function.

Submissions (2):

Ambry Genetics
Classification: Uncertain significance for Hereditary cancer-predisposing syndrome. Last evaluated: 2026-07-06. Review status: criteria provided, single submitter. Criteria: Ambry Variant Classification Scheme 2023. Collection method: clinical testing. Allele origin: germline.
Comment: The p.H83R variant (also known as c.248A>G), located in coding exon 4 of the PALB2 gene, results from an A to G substitution at nucleotide position 248. The histidine at codon 83 is replaced by arginine, an amino acid with highly similar properties. This amino acid position is conserved. In addition, this alteration is predicted to be tolerated by in silico analysis. Based on the available evidence, the clinical significance of this variant remains unclear.

Labcorp Genetics (formerly Invitae), Labcorp
Classification: Uncertain significance for Familial cancer of breast. Last evaluated: 2024-04-11. Review status: criteria provided, single submitter. Criteria: Invitae Variant Classification Sherloc (09022015). Collection method: clinical testing. Allele origin: germline.
Comment: This sequence change replaces histidine, which is basic and polar, with arginine, which is basic and polar, at codon 83 of the PALB2 protein (p.His83Arg). This variant is not present in population databases (gnomAD no frequency). This variant has not been reported in the literature in individuals affected with PALB2-related conditions. ClinVar contains an entry for this variant (Variation ID: 1467119). Algorithms developed to predict the effect of missense changes on protein structure and function output the following: SIFT: "Not Available"; PolyPhen-2: "Benign"; Align-GVGD: "Not Available". The arginine amino acid residue is found in multiple mammalian species, which suggests that this missense change does not adversely affect protein function. In summary, the available evidence is currently insufficient to determine the role of this variant in disease. Therefore, it has been classified as a Variant of Uncertain Significance.